The following is an entry in ClinVar:

NM_022436.3(ABCG5):c.149G>A (p.Arg50His)

Gene: ABCG5 (ATP binding cassette subfamily G member 5; minus strand). Cytogenetic location: 2p21.
Variant type: single nucleotide variant.
Coding change: c.149G>A on transcript NM_022436.3 (MANE Select); coding-DNA position 149, G replaced by A.
Protein change: p.Arg50His; replaces arginine 50 with histidine.
Molecular consequence: missense variant.
Genome position (GRCh38, 1-based): chr2:43,837,950, C>T on the plus strand (G>A on the coding strand, the complement: ABCG5 is on the minus strand). VCF-style: chr2-43837950-C-T. GRCh37 (hg19) VCF-style: chr2-44065089-C-T.
Other names: short protein forms R50H.
Identifiers: ClinVar variation 3129752 (VCV003129752.2), dbSNP rs200036521, ClinGen allele CA1636761.

ClinVar aggregate classification (germline): Uncertain significance (1 of 4 stars; one submission).

Conditions:
Cardiovascular phenotype. Identifiers: MedGen CN230736.

Allele frequency attached by ClinVar (database versions not stated): 1000 Genomes Project 30x 0.00031; 1000 Genomes Project 0.00040.
gnomAD v4.1: 41 of 1,613,958 alleles (0.0025%); highest among the groups gnomAD compares: East Asian, 0.067%; no homozygotes.

Submission:

Ambry Genetics
Classification: Uncertain significance for Cardiovascular phenotype. Last evaluated: 2024-04-04. Review status: criteria provided, single submitter. Criteria: Ambry Variant Classification Scheme 2023. Collection method: clinical testing. Allele origin: germline.
Comment: The p.R50H variant (also known as c.149G>A), located in coding exon 2 of the ABCG5 gene, results from a G to A substitution at nucleotide position 149. The arginine at codon 50 is replaced by histidine, an amino acid with highly similar properties. This amino acid position is conserved. In addition, this alteration is predicted to be tolerated by in silico analysis. Based on the available evidence, the clinical significance of this variant remains unclear.